The following is an entry in ClinVar:

ClinVar aggregate classification (germline): Uncertain significance. Review status: criteria provided, multiple submitters, no conflicts (2 of 4 stars). 3 submissions from 3 submitters: Uncertain significance (2). 1 of the submissions does not count toward it. Last evaluated 2022-01-04.

Conditions:
Cohen syndrome (COH1). Also called: PEPPER SYNDROME; Cutis verticis gyrata, retinitis pigmentosa, and sensorineural deafness. Identifiers: Orphanet 193, MedGen C0265223, MONDO:0008999, OMIM 216550.
VPS13B-related disorder. Also called: VPS13B-related condition.

Allele frequency attached by ClinVar (database versions not stated): gnomAD 0.00001; gnomAD exomes 0.00002; TOPMed 0.00002; ExAC 0.00013; 1000 Genomes Project 30x 0.00016; 1000 Genomes Project 0.00020.
gnomAD v4.1: 29 of 1,614,058 alleles (0.0018%); highest among the groups gnomAD compares: African/African-American, 0.004%; no homozygotes.

Submissions (3):

Labcorp Genetics (formerly Invitae), Labcorp
Classification: Uncertain significance for Cohen syndrome. Last evaluated: 2022-01-04. Review status: criteria provided, single submitter. Criteria: Invitae Variant Classification Sherloc (09022015). Collection method: clinical testing. Allele origin: germline.
Comment: This sequence change replaces isoleucine, which is neutral and non-polar, with methionine, which is neutral and non-polar, at codon 2712 of the VPS13B protein (p.Ile2712Met). This variant is present in population databases (rs201866766, gnomAD 0.02%). This variant has not been reported in the literature in individuals affected with VPS13B-related conditions. Algorithms developed to predict the effect of missense changes on protein structure and function are either unavailable or do not agree on the potential impact of this missense change (SIFT: "Not Available"; PolyPhen-2: "Possibly Damaging"; Align-GVGD: "Not Available"). In summary, the available evidence is currently insufficient to determine the role of this variant in disease. Therefore, it has been classified as a Variant of Uncertain Significance.

Blueprint Genetics
Classification: Uncertain significance. Last evaluated: 2021-10-27. Review status: criteria provided, single submitter. Criteria: ACMG Guidelines, 2015. Collection method: clinical testing. Allele origin: germline.

PreventionGenetics, part of Exact Sciences
Classification: Uncertain significance for VPS13B-related condition. Last evaluated: 2024-01-25. Review status: no assertion criteria provided. Collection method: clinical testing. Allele origin: germline. Not counted in ClinVar's aggregate classification.
Comment: The VPS13B c.8061C>G variant is predicted to result in the amino acid substitution p.Ile2687Met. To our knowledge, this variant has not been reported in the literature. This variant is reported in 0.015% of alleles in individuals of European (Non-Finnish) descent in gnomAD. At this time, the clinical significance of this variant is uncertain due to the absence of conclusive functional and genetic evidence.

NM_152564.5(VPS13B):c.8061C>G (p.Ile2687Met)

Gene: VPS13B (vacuolar protein sorting 13 homolog B; plus strand). Cytogenetic location: 8q22.2.
Variant type: single nucleotide variant.
Coding change: c.8061C>G on transcript NM_152564.5 (MANE Select); coding-DNA position 8061, C replaced by G.
Protein change: p.Ile2687Met; replaces isoleucine 2687 with methionine.
Molecular consequence: missense variant.
Genome position (GRCh38, 1-based): chr8:99,809,494, C>G. VCF-style: chr8-99809494-C-G. GRCh37 (hg19) VCF-style: chr8-100821722-C-G.
Other names: c.8136C>G, p.Ile2712Met (NM_017890.5); short protein forms I2712M, I2687M.
Identifiers: ClinVar variation 2041316 (VCV002041316.3), dbSNP rs201866766, ClinGen allele CA4824373.
Genomic context (GRCh38, chr8:99,809,494, plus strand): 5'-GGACCATGCCGGGACTTTTATTAGAACAATTCAGTACAGGGGTCGAACTGCTTCTCTCAT[C>G]ATCAAGGTTCAGCAACTCAATGGAGTACAAAAACAGGTAAGTTTCTTTGTGTTCATGACC-3'
Protein context (NP_689777.3, residues 2677-2697): IQYRGRTASL[Ile2687Met]IKVQQLNGVQ